The following is an entry in ClinVar:

NM_018076.5(ODAD2):c.27G>A (p.Thr9=)

Genes: ODAD2 (outer dynein arm docking complex subunit 2; minus strand), LOC126860891 (CDK7 strongly-dependent group 2 enhancer GRCh37_chr10:28283413-28284612; plus strand). Cytogenetic location: 10p12.1.
Variant type: single nucleotide variant.
Coding change: c.27G>A on transcript NM_018076.5 (MANE Select); coding-DNA position 27, G replaced by A.
Protein change: p.Thr9=; no amino-acid change (threonine 9 retained).
Molecular consequence: synonymous variant.
Genome position (GRCh38, 1-based): chr10:27,995,116, C>T on the plus strand (G>A on the coding strand, the complement: ODAD2 is on the minus strand). VCF-style: chr10-27995116-C-T. GRCh37 (hg19) VCF-style: chr10-28284045-C-T.
Other names: c.27G>A, p.Thr9= (NM_001290020.2).
Identifiers: ClinVar variation 474583 (VCV000474583.15), dbSNP rs139724964, ClinGen allele CA5453920.

ClinVar aggregate classification (germline): Benign/Likely benign. Review status: criteria provided, multiple submitters, no conflicts (2 of 4 stars). 4 submissions from 4 submitters: Benign (1); Likely benign (3). Last evaluated 2026-09-01.

Conditions:
Primary ciliary dyskinesia 23 (CILD23). Also called: CILIARY DYSKINESIA, PRIMARY, 23, WITH OR WITHOUT SITUS INVERSUS. Identifiers: Orphanet 244, MedGen C3809548, MONDO:0014193, OMIM 615451.
Primary ciliary dyskinesia. Also called: Ciliary dyskinesia. Identifiers: Orphanet 244, MedGen C0008780, MONDO:0016575, HP:0012265.

Allele frequency attached by ClinVar (database versions not stated): gnomAD exomes 0.00065; ExAC 0.00077; gnomAD 0.00215 and 0.00224; 1000 Genomes Project 30x 0.00234; TOPMed 0.00253; 1000 Genomes Project 0.00260; ESP Exome Variant Server 0.00292.

Submissions (4):

CeGaT Center for Human Genetics Tuebingen
Classification: Likely benign. Last evaluated: 2026-09-01. Review status: criteria provided, single submitter. Criteria: CeGaT Center For Human Genetics Tuebingen Variant Classification Criteria Version 2. Collection method: clinical testing. Allele origin: germline. Affected: yes. Observed: 1 variant allele.
Comment: ODAD2: BP4, BP7

Labcorp Genetics (formerly Invitae), Labcorp
Classification: Benign for Primary ciliary dyskinesia 23. Last evaluated: 2026-01-13. Review status: criteria provided, single submitter. Criteria: Invitae Variant Classification Sherloc (09022015). Collection method: clinical testing. Allele origin: germline.

Blueprint Genetics
Classification: Likely benign. Last evaluated: 2024-10-16. Review status: criteria provided, single submitter. Criteria: ACMG Guidelines, 2015. Collection method: clinical testing. Allele origin: germline.

Ambry Genetics
Classification: Likely benign for Primary ciliary dyskinesia. Last evaluated: 2019-06-26. Review status: criteria provided, single submitter. Criteria: Ambry Variant Classification Scheme 2023. Collection method: clinical testing. Allele origin: germline.